The following is an entry in ClinVar:

ClinVar aggregate classification (germline): Uncertain significance (1 of 4 stars; one submission).

Submission:

Greenwood Genetic Center Diagnostic Laboratories, Greenwood Genetic Center
Classification: Uncertain significance. Last evaluated: 2025-01-31. Review status: criteria provided, single submitter. Criteria: ACMG Guidelines, 2015. Collection method: clinical testing. Allele origin: germline.
Comment: PM2, BP4

NM_002480.3(PPP1R12A):c.322A>T (p.Ile108Leu)

Gene: PPP1R12A (protein phosphatase 1 regulatory subunit 12A; minus strand). Cytogenetic location: 12q21.2.
Variant type: single nucleotide variant.
Coding change: c.322A>T on transcript NM_002480.3 (MANE Select); coding-DNA position 322, A replaced by T.
Protein change: p.Ile108Leu; replaces isoleucine 108 with leucine.
Molecular consequence: missense variant.
Genome position (GRCh38, 1-based): chr12:79,872,854, T>A on the plus strand (A>T on the coding strand, the complement: PPP1R12A is on the minus strand). VCF-style: chr12-79872854-T-A. GRCh37 (hg19) VCF-style: chr12-80266634-T-A.
Other names: c.322A>T, p.Ile108Leu (NM_001244992.1, NM_001143885.2, NM_001244990.2); c.61A>T, p.Ile21Leu (NM_001143886.2); short protein forms I108L, I21L.
Identifiers: ClinVar variation 4851648 (VCV004851648.1).